The following is an entry in ClinVar:

NM_203446.3(SYNJ1):c.200G>A (p.Arg67Gln)

Gene: SYNJ1 (synaptojanin 1; minus strand). Cytogenetic location: 21q22.11.
Variant type: single nucleotide variant.
Coding change: c.200G>A on transcript NM_203446.3 (MANE Select); coding-DNA position 200, G replaced by A.
Protein change: p.Arg67Gln; replaces arginine 67 with glutamine.
Molecular consequence: missense variant.
Genome position (GRCh38, 1-based): chr21:32,701,972, C>T on the plus strand (G>A on the coding strand, the complement: SYNJ1 is on the minus strand). VCF-style: chr21-32701972-C-T. GRCh37 (hg19) VCF-style: chr21-34074282-C-T.
Other names: c.200G>A, p.Arg67Gln (NM_001160302.2, NM_001160306.2); c.317G>A, p.Arg106Gln (NM_003895.4); short protein forms R106Q, R67Q.
Identifiers: ClinVar variation 648787 (VCV000648787.7), dbSNP rs969446324, ClinGen allele CA319458864.
Genomic context (GRCh38, chr21:32,701,972, plus strand): 5'-CAAAATAGAAATGAAAAAATGGATGAATTCTACTGAATGATAAACTTACCAAGATTTAAC[C>T]GCAGAACACCTAAGAGTCCATATGCATCCAGTACTTTGGAGTATGTACCCTTGATTGCCT-3'
Protein context (NP_982271.3, residues 57-77): LDAYGLLGVL[Arg67Gln]LNLGDTMLHY

ClinVar aggregate classification (germline): Uncertain significance (1 of 4 stars; one submission).

Conditions:
Developmental and epileptic encephalopathy, 53. Also called: Epileptic encephalopathy, early infantile, 53. Identifiers: MedGen C4479313, MONDO:0033362, OMIM 617389.
Early-onset Parkinson disease 20. Also called: PARKINSON DISEASE 20, AUTOSOMAL RECESSIVE EARLY-ONSET. Identifiers: Orphanet 391411, MedGen C3809824, MONDO:0014233, OMIM 615530.

Allele frequency attached by ClinVar (database versions not stated): gnomAD 0.00001; TOPMed 0.00001; gnomAD exomes below 0.00001.
gnomAD v4.1: 4 of 1,542,134 alleles (0.00026%); highest among the groups gnomAD compares: East Asian, 0.0023%; no homozygotes.

Submission:

Labcorp Genetics (formerly Invitae), Labcorp
Classification: Uncertain significance for Developmental and epileptic encephalopathy, 53; Early-onset Parkinson disease 20. Last evaluated: 2025-05-13. Review status: criteria provided, single submitter. Criteria: Invitae Variant Classification Sherloc (09022015). Collection method: clinical testing. Allele origin: germline.
Comment: This sequence change replaces arginine, which is basic and polar, with glutamine, which is neutral and polar, at codon 106 of the SYNJ1 protein (p.Arg106Gln). This variant is not present in population databases (gnomAD no frequency). This missense change has been observed in individual(s) with clinical features of SYNJ1 associated conditions (PMID: 34720994). ClinVar contains an entry for this variant (Variation ID: 648787). Invitae Evidence Modeling of protein sequence and biophysical properties (such as structural, functional, and spatial information, amino acid conservation, physicochemical variation, residue mobility, and thermodynamic stability) indicates that this missense variant is not expected to disrupt SYNJ1 protein function with a negative predictive value of 80%. In summary, the available evidence is currently insufficient to determine the role of this variant in disease. Therefore, it has been classified as a Variant of Uncertain Significance.

Literature cited by the submitters: PubMed 34720994.